The following is an entry in ClinVar:

NM_001267550.2(TTN):c.101121C>T (p.Asn33707=)

Genes: TTN (titin; minus strand), TTN-AS1 (TTN antisense RNA 1; plus strand). Cytogenetic location: 2q31.2.
Variant type: single nucleotide variant.
Coding change: c.101121C>T on transcript NM_001267550.2 (MANE Select); coding-DNA position 101121, C replaced by T.
Protein change: p.Asn33707=; no amino-acid change (asparagine 33707 retained).
Molecular consequence: synonymous variant.
Genome position (GRCh38, 1-based): chr2:178,535,494, G>A on the plus strand (C>T on the coding strand, the complement: TTN is on the minus strand). VCF-style: chr2-178535494-G-A. GRCh37 (hg19) VCF-style: chr2-179400221-G-A.
Other names: c.96198C>T, p.Asn32066= (NM_001256850.1); c.73926C>T, p.Asn24642= (NM_003319.4); c.93417C>T, p.Asn31139= (NM_133378.4); c.74301C>T, p.Asn24767= (NM_133432.3); c.74502C>T, p.Asn24834= (NM_133437.4).
Identifiers: ClinVar variation 732628 (VCV000732628.12), dbSNP rs931200740, ClinGen allele CA60960120.

ClinVar aggregate classification (germline): Likely benign. Review status: criteria provided, multiple submitters, no conflicts (2 of 4 stars). 4 submissions from 4 submitters: Likely benign (3). 1 of the submissions does not count toward it. Last evaluated 2025-07-16.

Conditions:
TTN-related disorder. Also called: TTN-related disorders; TTN-related condition; TTN-related disease.
Dilated cardiomyopathy 1G (CMD1G). Identifiers: Orphanet 154, MedGen C1858763, MONDO:0011400, OMIM 604145.
Autosomal recessive limb-girdle muscular dystrophy type 2J (LGMDR10). Also called: Limb-girdle muscular dystrophy, type 2J; MUSCULAR DYSTROPHY, LIMB-GIRDLE, AUTOSOMAL RECESSIVE 10. Identifiers: Orphanet 140922, MedGen C1837342, MONDO:0012127, OMIM 608807.
Cardiovascular phenotype. Identifiers: MedGen CN230736.

Allele frequency attached by ClinVar (database versions not stated): gnomAD exomes below 0.00001 and 0.00001; gnomAD 0.00001; TOPMed 0.00001.
gnomAD v4.1: 5 of 1,613,740 alleles (0.00031%); highest among the groups gnomAD compares: Middle Eastern, 0.016%; no homozygotes.

Submissions (4):

Labcorp Genetics (formerly Invitae), Labcorp
Classification: Likely benign for Dilated cardiomyopathy 1G; Autosomal recessive limb-girdle muscular dystrophy type 2J. Last evaluated: 2025-07-16. Review status: criteria provided, single submitter. Criteria: Invitae Variant Classification Sherloc (09022015). Collection method: clinical testing. Allele origin: germline.

Blueprint Genetics
Classification: Likely benign. Last evaluated: 2024-10-15. Review status: criteria provided, single submitter. Criteria: ACMG Guidelines, 2015. Collection method: clinical testing. Allele origin: germline.

Ambry Genetics
Classification: Likely benign for Cardiovascular phenotype. Last evaluated: 2024-03-08. Review status: criteria provided, single submitter. Criteria: Ambry Variant Classification Scheme 2023. Collection method: clinical testing. Allele origin: germline.

PreventionGenetics, part of Exact Sciences
Classification: Likely benign for TTN-related condition. Last evaluated: 2023-06-26. Review status: no assertion criteria provided. Collection method: clinical testing. Allele origin: germline. Not counted in ClinVar's aggregate classification.
Comment: This variant is classified as likely benign based on ACMG/AMP sequence variant interpretation guidelines (Richards et al. 2015 PMID: 25741868, with internal and published modifications).